The following is an entry in ClinVar:

NM_001371727.1(GABRB2):c.314T>G (p.Leu105Trp)

Gene: GABRB2 (gamma-aminobutyric acid type A receptor subunit beta2; minus strand). Cytogenetic location: 5q34.
Variant type: single nucleotide variant.
Coding change: c.314T>G on transcript NM_001371727.1 (MANE Select); coding-DNA position 314, T replaced by G.
Protein change: p.Leu105Trp; replaces leucine 105 with tryptophan.
Molecular consequence: missense variant.
Genome position (GRCh38, 1-based): chr5:161,459,768, A>C on the plus strand (T>G on the coding strand, the complement: GABRB2 is on the minus strand). VCF-style: chr5-161459768-A-C. GRCh37 (hg19) VCF-style: chr5-160886774-A-C.
Other names: c.314T>G, p.Leu105Trp (NM_000813.3, NM_021911.3); short protein forms L105W.
Identifiers: ClinVar variation 4801568 (VCV004801568.1).

ClinVar aggregate classification (germline): Uncertain significance (1 of 4 stars; one submission).

Conditions:
Intellectual disability. Also called: Intellectual functioning disability; intellectual disabilities; Intellectual developmental disorder. Identifiers: MedGen C3714756, MeSH D008607, MONDO:0001071, HP:0001249.

Submission:

Labcorp Genetics (formerly Invitae), Labcorp
Classification: Uncertain significance for Intellectual disability. Last evaluated: 2025-08-25. Review status: criteria provided, single submitter. Criteria: Invitae Variant Classification Sherloc (09022015). Collection method: clinical testing. Allele origin: germline.
Comment: This sequence change replaces leucine, which is neutral and non-polar, with tryptophan, which is neutral and slightly polar, at codon 105 of the GABRB2 protein (p.Leu105Trp). This variant is not present in population databases (gnomAD no frequency). This variant has not been reported in the literature in individuals affected with GABRB2-related conditions. Invitae Evidence Modeling of protein sequence and biophysical properties (such as structural, functional, and spatial information, amino acid conservation, physicochemical variation, residue mobility, and thermodynamic stability) indicates that this missense variant is expected to disrupt GABRB2 protein function with a positive predictive value of 95%. In summary, the available evidence is currently insufficient to determine the role of this variant in disease. Therefore, it has been classified as a Variant of Uncertain Significance.